The following is an entry in ClinVar:

ClinVar aggregate classification (germline): Uncertain significance. Review status: criteria provided, multiple submitters, no conflicts (2 of 4 stars). 4 submissions from 4 submitters: Uncertain significance (3). 1 of the submissions does not count toward it. Last evaluated 2023-12-29.

Conditions:
Inborn genetic diseases. Identifiers: MedGen C0950123, MeSH D030342.
Fetal akinesia deformation sequence 1 (FADS1). Also called: Fetal akinesia sequence; Pena-Shokeir syndrome type I. Identifiers: Orphanet 994, MedGen C1276035, MONDO:0100101, OMIM 208150, HP:0001989.
Congenital myasthenic syndrome 11. Also called: MYASTHENIC SYNDROME, CONGENITAL, Ie; Myasthenic syndrome, congenital, 11, associated with acetylcholine receptor deficiency. Identifiers: Orphanet 590, MedGen C4225367, MONDO:0014588, OMIM 616326.
Congenital myasthenic syndrome (CMS). Also called: Congenital Myasthenic Syndromes. Identifiers: Orphanet 590, MedGen C0751882, MeSH D020294, MONDO:0018940.

Allele frequency attached by ClinVar (database versions not stated): gnomAD 0.00004 and 0.00005; TOPMed 0.00007.
gnomAD v4.1: 56 of 1,613,946 alleles (0.0035%); highest among the groups gnomAD compares: Admixed American, 0.015%; no homozygotes.

Submissions (4):

Revvity Omics, Revvity
Classification: Uncertain significance. Last evaluated: 2023-12-29. Review status: criteria provided, single submitter. Criteria: ACMG Guidelines, 2015. Collection method: clinical testing. Allele origin: germline.

Ambry Genetics
Classification: Uncertain significance for Inborn genetic diseases. Last evaluated: 2022-08-16. Review status: criteria provided, single submitter. Criteria: Ambry Variant Classification Scheme 2023. Collection method: clinical testing. Allele origin: germline.

Labcorp Genetics (formerly Invitae), Labcorp
Classification: Uncertain significance for Congenital myasthenic syndrome 11; Fetal akinesia deformation sequence 1. Last evaluated: 2021-08-31. Review status: criteria provided, single submitter. Criteria: Invitae Variant Classification Sherloc (09022015). Collection method: clinical testing. Allele origin: germline.
Comment: This sequence change replaces glutamic acid with lysine at codon 317 of the RAPSN protein (p.Glu317Lys). The glutamic acid residue is highly conserved and there is a small physicochemical difference between glutamic acid and lysine. This variant is present in population databases (rs772054419, ExAC 0.01%). This variant has not been reported in the literature in individuals affected with RAPSN-related conditions. Algorithms developed to predict the effect of missense changes on protein structure and function are either unavailable or do not agree on the potential impact of this missense change (SIFT: "Deleterious"; PolyPhen-2: "Possibly Damaging"; Align-GVGD: "Class C0"). In summary, the available evidence is currently insufficient to determine the role of this variant in disease. Therefore, it has been classified as a Variant of Uncertain Significance.

Natera, Inc.
Classification: Uncertain significance for Congenital myasthenic syndrome. Last evaluated: 2020-02-13. Review status: no assertion criteria provided. Collection method: clinical testing. Allele origin: germline. Not counted in ClinVar's aggregate classification.

NM_005055.5(RAPSN):c.949G>A (p.Glu317Lys)

Gene: RAPSN (receptor associated protein of the synapse; minus strand). Cytogenetic location: 11p11.2.
Variant type: single nucleotide variant.
Coding change: c.949G>A on transcript NM_005055.5 (MANE Select); coding-DNA position 949, G replaced by A.
Protein change: p.Glu317Lys; replaces glutamic acid 317 with lysine.
Molecular consequence: missense variant. On other transcripts: intron variant (1).
Genome position (GRCh38, 1-based): chr11:47,441,176, C>T on the plus strand (G>A on the coding strand, the complement: RAPSN is on the minus strand). VCF-style: chr11-47441176-C-T. GRCh37 (hg19) VCF-style: chr11-47462727-C-T.
Other names: c.789+647G>A (NM_032645.5); short protein forms E317K.
Identifiers: ClinVar variation 846936 (VCV000846936.6), dbSNP rs772054419, ClinGen allele CA5976551.